The following is an entry in ClinVar:

ClinVar aggregate classification (germline): Uncertain significance (1 of 4 stars; one submission).

Conditions:
Inborn genetic diseases. Identifiers: MedGen C0950123, MeSH D030342.

gnomAD v4.1: 5 of 1,613,832 alleles (0.00031%); highest among the groups gnomAD compares: Non-Finnish European, 0.00042%; no homozygotes.

Submission:

Ambry Genetics
Classification: Uncertain significance for Inborn genetic diseases. Last evaluated: 2026-06-03. Review status: criteria provided, single submitter. Criteria: Ambry Variant Classification Scheme 2023. Collection method: clinical testing. Allele origin: germline.
Comment: The c.110G>T (p.S37I) alteration is located in exon 1 (coding exon 1) of the WAC gene. This alteration results from a G to T substitution at nucleotide position 110, causing the serine (S) at amino acid position 37 to be replaced by an isoleucine (I). Based on data from gnomAD, the T allele has an overall frequency of <0.001% (1/251230) total alleles studied. The highest observed frequency was 0.001% (1/113564) of European (non-Finnish) alleles. Based on insufficient or conflicting evidence, the clinical significance of this alteration remains unclear.

NM_016628.5(WAC):c.110G>T (p.Ser37Ile)

Gene: WAC (WW domain containing adaptor with coiled-coil; plus strand). Cytogenetic location: 10p12.1.
Variant type: single nucleotide variant.
Coding change: c.110G>T on transcript NM_016628.5 (MANE Select); coding-DNA position 110, G replaced by T.
Protein change: p.Ser37Ile; replaces serine 37 with isoleucine.
Molecular consequence: missense variant. On other transcripts: 5 prime UTR variant (1).
Genome position (GRCh38, 1-based): chr10:28,535,593, G>T. VCF-style: chr10-28535593-G-T. GRCh37 (hg19) VCF-style: chr10-28824522-G-T.
Other names: c.-26G>T (NM_100264.3); c.110G>T, p.Ser37Ile (NM_100486.4); short protein forms S37I.
Identifiers: ClinVar variation 4866465 (VCV004866465.1).